The following is an entry in ClinVar:

NM_001905.4(CTPS1):c.1127G>A (p.Arg376Gln)

Gene: CTPS1 (CTP synthase 1; plus strand). Cytogenetic location: 1p34.2.
Variant type: single nucleotide variant.
Coding change: c.1127G>A on transcript NM_001905.4 (MANE Select); coding-DNA position 1127, G replaced by A.
Protein change: p.Arg376Gln; replaces arginine 376 with glutamine.
Molecular consequence: missense variant. On other transcripts: non-coding transcript variant (1).
Genome position (GRCh38, 1-based): chr1:41,002,192, G>A. VCF-style: chr1-41002192-G-A. GRCh37 (hg19) VCF-style: chr1-41467864-G-A.
Other names: c.659G>A, p.Arg220Gln (NM_001301237.2); short protein forms R220Q, R376Q.
Identifiers: ClinVar variation 4235755 (VCV004235755.2).

ClinVar aggregate classification (germline): Uncertain significance. Review status: criteria provided, multiple submitters, no conflicts (2 of 4 stars). 2 submissions from 2 submitters: Uncertain significance (2). Last evaluated 2025-12-01.

Conditions:
Combined immunodeficiency due to CTPS1 deficiency. Also called: Severe combined immunodeficiency due to CTPS1 deficiency; Immunodeficiency 24. Identifiers: Orphanet 420573, MedGen C4014617, MONDO:0014391, OMIM 615897.

gnomAD v4.1: 6 of 1,614,144 alleles (0.00037%); highest among the groups gnomAD compares: Non-Finnish European, 0.00042%; no homozygotes.

Submissions (2):

Labcorp Genetics (formerly Invitae), Labcorp
Classification: Uncertain significance for Combined immunodeficiency due to CTPS1 deficiency. Last evaluated: 2025-12-01. Review status: criteria provided, single submitter. Criteria: Invitae Variant Classification Sherloc (09022015). Collection method: clinical testing. Allele origin: germline.
Comment: This sequence change replaces arginine, which is basic and polar, with glutamine, which is neutral and polar, at codon 376 of the CTPS1 protein (p.Arg376Gln). This variant is present in population databases (rs377341376, gnomAD 0.004%). This variant has not been reported in the literature in individuals affected with CTPS1-related conditions. ClinVar contains an entry for this variant (Variation ID: 4235755). An algorithm developed to predict the effect of missense changes on protein structure and function (PolyPhen-2) suggests that this variant is likely to be disruptive. In summary, the available evidence is currently insufficient to determine the role of this variant in disease. Therefore, it has been classified as a Variant of Uncertain Significance.

Ambry Genetics
Classification: Uncertain significance. Last evaluated: 2025-06-23. Review status: criteria provided, single submitter. Criteria: Ambry Variant Classification Scheme 2023. Collection method: clinical testing. Allele origin: germline.